The following is an entry in ClinVar:

NM_001330260.2(SCN8A):c.3280G>A (p.Val1094Ile)

Gene: SCN8A (sodium voltage-gated channel alpha subunit 8; plus strand). Cytogenetic location: 12q13.13.
Variant type: single nucleotide variant.
Coding change: c.3280G>A on transcript NM_001330260.2 (MANE Select); coding-DNA position 3280, G replaced by A.
Protein change: p.Val1094Ile; replaces valine 1094 with isoleucine.
Molecular consequence: missense variant.
Genome position (GRCh38, 1-based): chr12:51,769,243, G>A. VCF-style: chr12-51769243-G-A. GRCh37 (hg19) VCF-style: chr12-52163027-G-A.
Other names: c.3280G>A, p.Val1094Ile (NM_001177984.3, NM_001369788.1, NM_014191.4); short protein forms V1094I.
Identifiers: ClinVar variation 1926649 (VCV001926649.5), dbSNP rs575624653, ClinGen allele CA6571572.
Genomic context (GRCh38, chr12:51,769,243, plus strand): 5'-GTGGAGAAGTACATCATTGATGAGGACCACATGTCCTTCATCAACAACCCCAACTTGACT[G>A]TACGGGTACCCATTGCTGTGGGCGAGTCTGACTTTGAGAACCTCAACACAGAGGATGTTA-3'
Protein context (NP_001317189.1, residues 1084-1104): MSFINNPNLT[Val1094Ile]RVPIAVGESD

ClinVar aggregate classification (germline): Uncertain significance (1 of 4 stars; one submission).

Conditions:
Early-infantile DEE. Also called: Ohtahara syndrome; Early infantile epileptic encephalopathy with suppression bursts; Early infantile epileptic encephalopathy. Identifiers: Orphanet 1934, MedGen C0393706, MONDO:0800491.

Allele frequency attached by ClinVar (database versions not stated): gnomAD 0.00001; gnomAD exomes 0.00001; ExAC 0.00002; 1000 Genomes Project 0.00020; 1000 Genomes Project 30x 0.00031.
gnomAD v4.1: 4 of 1,613,644 alleles (0.00025%); highest among the groups gnomAD compares: Admixed American, 0.0033%; no homozygotes.

Submission:

Labcorp Genetics (formerly Invitae), Labcorp
Classification: Uncertain significance for Early-infantile DEE. Last evaluated: 2022-02-13. Review status: criteria provided, single submitter. Criteria: Invitae Variant Classification Sherloc (09022015). Collection method: clinical testing. Allele origin: germline.
Comment: This variant has not been reported in the literature in individuals affected with SCN8A-related conditions. Algorithms developed to predict the effect of missense changes on protein structure and function are either unavailable or do not agree on the potential impact of this missense change (SIFT: "Deleterious"; PolyPhen-2: "Probably Damaging"; Align-GVGD: "Class C0"). In summary, the available evidence is currently insufficient to determine the role of this variant in disease. Therefore, it has been classified as a Variant of Uncertain Significance. This variant is present in population databases (rs575624653, gnomAD 0.007%). This sequence change replaces valine, which is neutral and non-polar, with isoleucine, which is neutral and non-polar, at codon 1094 of the SCN8A protein (p.Val1094Ile).